The following is an entry in ClinVar:

ClinVar aggregate classification (germline): Uncertain significance (1 of 4 stars; one submission).

Conditions:
DICER1-related tumor predisposition. Also called: DICER1 syndrome; DICER1-related pleuropulmonary blastoma cancer predisposition syndrome. Identifiers: Orphanet 284343, MedGen C3839822, MONDO:0100216.

Submission:

Labcorp Genetics (formerly Invitae), Labcorp
Classification: Uncertain significance for DICER1-related tumor predisposition. Last evaluated: 2021-04-14. Review status: criteria provided, single submitter. Criteria: Invitae Variant Classification Sherloc (09022015). Collection method: clinical testing. Allele origin: germline.
Comment: Algorithms developed to predict the effect of missense changes on protein structure and function (SIFT, PolyPhen-2, Align-GVGD) all suggest that this variant is likely to be disruptive, but these predictions have not been confirmed by published functional studies and their clinical significance is uncertain. This variant has not been reported in the literature in individuals with DICER1-related conditions. This variant is not present in population databases (ExAC no frequency). This sequence change replaces glycine with cysteine at codon 1894 of the DICER1 protein (p.Gly1894Cys). The glycine residue is highly conserved and there is a large physicochemical difference between glycine and cysteine. In summary, the available evidence is currently insufficient to determine the role of this variant in disease. Therefore, it has been classified as a Variant of Uncertain Significance.

NM_177438.3(DICER1):c.5680G>T (p.Gly1894Cys)

Gene: DICER1 (dicer 1, ribonuclease III; minus strand). Cytogenetic location: 14q32.13.
Variant type: single nucleotide variant.
Coding change: c.5680G>T on transcript NM_177438.3 (MANE Select); coding-DNA position 5680, G replaced by T.
Protein change: p.Gly1894Cys; replaces glycine 1894 with cysteine.
Molecular consequence: missense variant. On other transcripts: 3 prime UTR variant (1).
Genome position (GRCh38, 1-based): chr14:95,090,587, C>A on the plus strand (G>T on the coding strand, the complement: DICER1 is on the minus strand). VCF-style: chr14-95090587-C-A. GRCh37 (hg19) VCF-style: chr14-95556924-C-A.
Other names: c.*27G>T (NM_001195573.1); c.5680G>T, p.Gly1894Cys (NM_001271282.3, NM_001291628.2, NM_030621.4); short protein forms G1894C.
Identifiers: ClinVar variation 1345392 (VCV001345392.9), dbSNP rs2139766318, ClinGen allele CA390863274.